The following is an entry in ClinVar:

ClinVar aggregate classification (germline): Uncertain significance. Review status: criteria provided, multiple submitters, no conflicts (2 of 4 stars). 3 submissions from 3 submitters: Uncertain significance (3). Last evaluated 2023-06-20.

Allele frequency attached by ClinVar (database versions not stated): ExAC 0.00001; gnomAD exomes 0.00001 and 0.00002; gnomAD 0.00002; TOPMed 0.00003.
gnomAD v4.1: 14 of 1,606,156 alleles (0.00087%); highest among the groups gnomAD compares: Admixed American, 0.017%; no homozygotes.

Submissions (3):

GeneDx
Classification: Uncertain significance. Last evaluated: 2023-06-20. Review status: criteria provided, single submitter. Criteria: GeneDx Variant Classification Process June 2021. Collection method: clinical testing. Allele origin: germline. Affected: yes.
Comment: In silico analysis supports that this missense variant has a deleterious effect on protein structure/function; Has not been previously published as pathogenic or benign to our knowledge

Labcorp Genetics (formerly Invitae), Labcorp
Classification: Uncertain significance. Last evaluated: 2021-09-08. Review status: criteria provided, single submitter. Criteria: Invitae Variant Classification Sherloc (09022015). Collection method: clinical testing. Allele origin: germline.
Comment: This sequence change replaces proline with leucine at codon 586 of the WHRN protein (p.Pro586Leu). The proline residue is moderately conserved and there is a moderate physicochemical difference between proline and leucine. This variant is present in population databases (rs771542666, ExAC 0.02%). This variant has not been reported in the literature in individuals affected with WHRN-related conditions. ClinVar contains an entry for this variant (Variation ID: 597785). Algorithms developed to predict the effect of missense changes on protein structure and function are either unavailable or do not agree on the potential impact of this missense change (SIFT: "Deleterious"; PolyPhen-2: "Benign"; Align-GVGD: "Class C0"). In summary, the available evidence is currently insufficient to determine the role of this variant in disease. Therefore, it has been classified as a Variant of Uncertain Significance.

Eurofins Ntd Llc (ga)
Classification: Uncertain significance. Last evaluated: 2018-07-11. Review status: criteria provided, single submitter. Criteria: EGL ClinVar v180209 classification definitions. Collection method: clinical testing. Allele origin: germline. Observed: 1 variant allele, 1 heterozygote.

NM_015404.4(WHRN):c.1757C>T (p.Pro586Leu)

Gene: WHRN (whirlin; minus strand). Cytogenetic location: 9q32.
Variant type: single nucleotide variant.
Coding change: c.1757C>T on transcript NM_015404.4 (MANE Select); coding-DNA position 1757, C replaced by T.
Protein change: p.Pro586Leu; replaces proline 586 with leucine.
Molecular consequence: missense variant.
Genome position (GRCh38, 1-based): chr9:114,406,834, G>A on the plus strand (C>T on the coding strand, the complement: WHRN is on the minus strand). VCF-style: chr9-114406834-G-A. GRCh37 (hg19) VCF-style: chr9-117169114-G-A.
Other names: c.608C>T, p.Pro203Leu (NM_001083885.3); c.1757C>T, p.Pro586Leu (NM_001173425.2); c.704C>T, p.Pro235Leu (NM_001346890.1); c.1757C>T (NM_015404.2); short protein forms P586L, P235L, P203L.
Identifiers: ClinVar variation 597785 (VCV000597785.12), dbSNP rs771542666, ClinGen allele CA5205820.